The following is an entry in ClinVar:

NM_000311.5(PRNP):c.351A>G (p.Ala117=)

Gene: PRNP (prion protein (Kanno blood group); plus strand). Cytogenetic location: 20p13.
Variant type: single nucleotide variant.
Coding change: c.351A>G on transcript NM_000311.5 (MANE Select); coding-DNA position 351, A replaced by G.
Protein change: p.Ala117=; no amino-acid change (alanine 117 retained).
Molecular consequence: synonymous variant. On other transcripts: 3 prime UTR variant (1).
Genome position (GRCh38, 1-based): chr20:4,699,571, A>G. VCF-style: chr20-4699571-A-G. GRCh37 (hg19) VCF-style: chr20-4680217-A-G.
Other names: p.Ala117=; c.351A>G, p.Ala117= (NM_001080121.3, NM_001080122.3, NM_001080123.3 and 1 more transcripts); c.*40A>G (NM_001271561.3).
Identifiers: ClinVar variation 338650 (VCV000338650.24), dbSNP rs8124214, ClinGen allele CA9752055.

ClinVar aggregate classification (germline): Benign/Likely benign. Review status: criteria provided, multiple submitters, no conflicts (2 of 4 stars). 9 submissions from 9 submitters: Benign (5); Likely benign (1). 3 of the submissions do not count toward it. Last evaluated 2026-01-27.

Conditions:
Inherited prion disease. Identifiers: Orphanet 280400, MedGen C5679775, MONDO:0017234.
Huntington disease-like 1 (HDL1). Also called: HUNTINGTON-LIKE NEURODEGENERATIVE DISORDER 1; HUNTINGTON-LIKE NEURODEGENERATIVE DISORDER, AUTOSOMAL DOMINANT; PRION DISEASE, EARLY-ONSET, WITH PROMINENT PSYCHIATRIC FEATURES. Identifiers: Orphanet 157941, MedGen C1864112, MONDO:0011299, OMIM 603218.

Allele frequency attached by ClinVar (database versions not stated): gnomAD exomes 0.02533 and 0.02989; ExAC 0.02726; 1000 Genomes Project 0.03894; 1000 Genomes Project 30x 0.04107; gnomAD 0.04180 and 0.04369; TOPMed 0.04550; ESP Exome Variant Server 0.04970.

Submissions (9):

Labcorp Genetics (formerly Invitae), Labcorp
Classification: Benign for Huntington disease-like 1. Last evaluated: 2026-01-27. Review status: criteria provided, single submitter. Criteria: Invitae Variant Classification Sherloc (09022015). Collection method: clinical testing. Allele origin: germline.

Blueprint Genetics
Classification: Likely benign. Last evaluated: 2024-11-28. Review status: criteria provided, single submitter. Criteria: ACMG Guidelines, 2015. Collection method: clinical testing. Allele origin: germline.

GeneDx
Classification: Benign. Last evaluated: 2018-09-28. Review status: criteria provided, single submitter. Criteria: GeneDx Variant Classification Process June 2021. Collection method: clinical testing. Allele origin: germline. Affected: yes.

Illumina Laboratory Services, Illumina
Classification: Benign for Genetic prion diseases. Last evaluated: 2018-01-12. Review status: criteria provided, single submitter. Criteria: ICSL Variant Classification Criteria 13 December 2019. Collection method: clinical testing. Allele origin: germline.
Comment: This variant was observed in the ICSL laboratory as part of a predisposition screen in an ostensibly healthy population. It had not been previously curated by ICSL or reported in the Human Gene Mutation Database (HGMD: prior to June 1st, 2018), and was therefore a candidate for classification through an automated scoring system. Utilizing variant allele frequency, disease prevalence and penetrance estimates, and inheritance mode, an automated score was calculated to assess if this variant is too frequent to cause the disease. Based on the score and internal cut-off values, a variant classified as benign is not then subjected to further curation. The score for this variant resulted in a classification of benign for this disease.

Mayo Clinic Laboratories, Mayo Clinic
Classification: Benign. Last evaluated: 2017-10-03. Review status: criteria provided, single submitter. Criteria: ACMG Guidelines, 2015. Collection method: clinical testing. Allele origin: germline. Observed: 170 variant alleles.

Breakthrough Genomics
Classification: Benign. Review status: criteria provided, single submitter. Criteria: ACMG Guidelines, 2015. Collection method: not provided. Allele origin: germline. Inheritance: Other. Affected: yes.

Clinical Genetics DNA and cytogenetics Diagnostics Lab, Erasmus MC, Erasmus Medical Center
Classification: Benign. Review status: no assertion criteria provided. Collection method: clinical testing. Allele origin: germline. Affected: yes. Study: VKGL Data-share Consensus. Not counted in ClinVar's aggregate classification.

Clinical Genetics, Academic Medical Center
Classification: Benign. Review status: no assertion criteria provided. Collection method: clinical testing. Allele origin: germline. Affected: yes. Study: VKGL Data-share Consensus. Not counted in ClinVar's aggregate classification.

Genome Diagnostics Laboratory, Amsterdam University Medical Center
Classification: Benign. Review status: no assertion criteria provided. Collection method: clinical testing. Allele origin: germline. Affected: yes. Study: VKGL Data-share Consensus. Not counted in ClinVar's aggregate classification.